The following is an entry in ClinVar:

NM_001754.5(RUNX1):c.494G>A (p.Gly165Asp)

Genes: RUNX1 (RUNX family transcription factor 1; minus strand), RUNX1-AS1 (RUNX1 antisense RNA 1; plus strand). Cytogenetic location: 21q22.12.
Variant type: single nucleotide variant.
Coding change: c.494G>A on transcript NM_001754.5 (MANE Select); coding-DNA position 494, G replaced by A.
Protein change: p.Gly165Asp; replaces glycine 165 with aspartic acid.
Molecular consequence: missense variant.
Genome position (GRCh38, 1-based): chr21:34,880,571, C>T on the plus strand (G>A on the coding strand, the complement: RUNX1 is on the minus strand). VCF-style: chr21-34880571-C-T. GRCh37 (hg19) VCF-style: chr21-36252868-C-T.
Other names: p.Gly165Asp; c.413G>A, p.Gly138Asp (NM_001001890.3, NM_001122607.2); short protein forms G138D, G165D.
Identifiers: ClinVar variation 4542410 (VCV004542410.1).

ClinVar aggregate classification (germline): Likely pathogenic (1 of 4 stars; one submission).

Submission:

Mayo Clinic Laboratories, Mayo Clinic
Classification: Likely pathogenic. Last evaluated: 2025-06-13. Review status: criteria provided, single submitter. Criteria: ACMG Guidelines, 2015. Collection method: clinical testing. Allele origin: germline. Observed: 3 variant alleles.
Comment: PP3_strong, PM1_supporting, PM2_supporting

Literature cited by the submitters: PubMed 11023523; PubMed 17290219.